The following is an entry in ClinVar:

ClinVar aggregate classification (germline): Likely benign. Review status: criteria provided, multiple submitters, no conflicts (2 of 4 stars). 3 submissions from 3 submitters: Likely benign (3). Last evaluated 2025-04-22.

Conditions:
Breast-ovarian cancer, familial, susceptibility to, 2 (BROVCA2). Also called: BRCA2 Hereditary Breast and Ovarian Cancer. Identifiers: Orphanet 145, MedGen C2675520, MONDO:0012933, OMIM 612555. Disease mechanism: loss of function.
Hereditary breast ovarian cancer syndrome. Also called: Hereditary breast and ovarian cancer syndrome; Hereditary breast and ovarian cancer syndrome (HBOC); Hereditary breast and ovarian cancer; Breast and ovarian cancer; Hereditary breast and/or ovarian cancer syndrome; BRCA1- and BRCA2-Associated Hereditary Breast and Ovarian Cancer. Identifiers: Orphanet 145, MedGen C0677776, MeSH D061325, MONDO:0003582. Disease mechanism: loss of function.
Hereditary cancer-predisposing syndrome. Also called: Hereditary neoplastic syndrome; Neoplastic Syndromes, Hereditary; Tumor predisposition; Hereditary Cancer Syndrome. Identifiers: Orphanet 140162, MedGen C0027672, MeSH D009386, MONDO:0015356.

Submissions (3):

Labcorp Genetics (formerly Invitae), Labcorp
Classification: Likely benign for Hereditary breast ovarian cancer syndrome. Last evaluated: 2025-04-22. Review status: criteria provided, single submitter. Criteria: Invitae Variant Classification Sherloc (09022015). Collection method: clinical testing. Allele origin: germline.

Ambry Genetics
Classification: Likely benign for Hereditary cancer-predisposing syndrome. Last evaluated: 2024-11-09. Review status: criteria provided, single submitter. Criteria: Ambry Variant Classification Scheme 2023. Collection method: clinical testing. Allele origin: germline.

All of Us Research Program, National Institutes of Health
Classification: Likely benign for Breast-ovarian cancer, familial, susceptibility to, 2. Last evaluated: 2023-10-02. Review status: criteria provided, single submitter. Criteria: ACMG Guidelines, 2015. Collection method: clinical testing. Allele origin: germline. Inheritance: Autosomal dominant inheritance. Observed: 1 variant allele, 1 heterozygote.
Comment: This study involves interpretation of variants in research participants for the purpose of population health screening. Participant phenotype was not available at the time of variant classification. Additional details can be found in publication PMID: 35346344, PMCID: PMC8962531

NM_000059.4(BRCA2):c.1068T>G (p.Ser356=)

Gene: BRCA2 (BRCA2 DNA repair associated; plus strand). Cytogenetic location: 13q13.1.
Variant type: single nucleotide variant.
Coding change: c.1068T>G on transcript NM_000059.4 (MANE Select); coding-DNA position 1068, T replaced by G.
Protein change: p.Ser356=; no amino-acid change (serine 356 retained).
Molecular consequence: synonymous variant. On other transcripts: intron variant (1), non-coding transcript variant (1).
Genome position (GRCh38, 1-based): chr13:32,332,546, T>G. VCF-style: chr13-32332546-T-G. GRCh37 (hg19) VCF-style: chr13-32906683-T-G.
Other names: c.424+1516T>G (NM_001406722.1); c.1068T>G, p.Ser356= (NM_001406721.1, NM_001406719.1, NM_001406720.1).
Identifiers: ClinVar variation 3073635 (VCV003073635.3), dbSNP rs2137467348, ClinGen allele CA483436622.